The following is an entry in ClinVar:

ClinVar aggregate classification (germline): Uncertain significance. Review status: criteria provided, multiple submitters, no conflicts (2 of 4 stars). 3 submissions from 3 submitters: Uncertain significance (3). Last evaluated 2025-09-09.

Conditions:
Polycystic kidney disease, adult type (PKD1). Also called: POLYCYSTIC KIDNEY DISEASE 1 WITH OR WITHOUT POLYCYSTIC LIVER DISEASE; POLYCYSTIC KIDNEY DISEASE, ADULT, TYPE I; Polycystic Kidney Disease 1, Autosomal Dominant; Polycystic kidney disease 1; Polycystic kidney disease 1, severe; Polycystic Kidney, Autosomal Dominant. Identifiers: MedGen C3149841, MONDO:0008263, OMIM 173900.

Allele frequency attached by ClinVar (database versions not stated): gnomAD 0.00001; gnomAD exomes 0.00001 and 0.00002; ExAC 0.00002; TOPMed 0.00002.
gnomAD v4.1: 11 of 1,612,040 alleles (0.00068%); highest among the groups gnomAD compares: Non-Finnish European, 0.00076%; no homozygotes.

Submissions (3):

Women's Health and Genetics/Laboratory Corporation of America, LabCorp
Classification: Uncertain significance. Last evaluated: 2025-09-09. Review status: criteria provided, single submitter. Criteria: LabCorp Variant Classification Summary - May 2015. Collection method: clinical testing. Allele origin: germline.
Comment: Variant summary: PKD1 c.4664C>T (p.Ala1555Val) results in a non-conservative amino acid change located in the PKD domain (IPR000601) of the encoded protein sequence. Algorithms developed to predict the effect of missense changes on protein structure and function are either unavailable or do not agree on the potential impact of this missense change. The variant allele was found at a frequency of 2e-05 in 248558 control chromosomes. The available data on variant occurrences in the general population are insufficient to allow any conclusion about variant significance.To our knowledge, no occurrence of c.4664C>T in individuals affected with PKD1-related conditions and no experimental evidence demonstrating its impact on protein function have been reported. ClinVar contains an entry for this variant (Variation ID: 1030953). Based on the evidence outlined above, the variant was classified as uncertain significance.

Fulgent Genetics
Classification: Uncertain significance for Polycystic kidney disease, adult type. Last evaluated: 2024-05-21. Review status: criteria provided, single submitter. Criteria: ACMG Guidelines, 2015. Collection method: clinical testing. Allele origin: germline.

Baylor Genetics
Classification: Uncertain significance for Polycystic kidney disease, adult type. Last evaluated: 2019-12-23. Review status: criteria provided, single submitter. Criteria: ACMG Guidelines, 2015. Collection method: clinical testing. Allele origin: unknown. Affected: yes.
Comment: This variant was determined to be of uncertain significance according to ACMG Guidelines, 2015 [PMID:25741868].

NM_001009944.3(PKD1):c.4664C>T (p.Ala1555Val)

Gene: PKD1 (polycystin 1, transient receptor potential channel interacting; minus strand). Cytogenetic location: 16p13.3.
Variant type: single nucleotide variant.
Coding change: c.4664C>T on transcript NM_001009944.3 (MANE Select); coding-DNA position 4664, C replaced by T.
Protein change: p.Ala1555Val; replaces alanine 1555 with valine.
Molecular consequence: missense variant.
Genome position (GRCh38, 1-based): chr16:2,110,503, G>A on the plus strand (C>T on the coding strand, the complement: PKD1 is on the minus strand). VCF-style: chr16-2110503-G-A. GRCh37 (hg19) VCF-style: chr16-2160504-G-A.
Other names: c.4664C>T, p.Ala1555Val (NM_000296.4); short protein forms A1555V.
Identifiers: ClinVar variation 1030953 (VCV001030953.5), dbSNP rs758865304, ClinGen allele CA7832296.
Genomic context (GRCh38, chr16:2,110,503, plus strand): 5'-CCGGCCTCCAGCGACGTGCTGAAGCTCACGCTCCCATTCAGGGGCACCACCGTGCGGCTT[G>A]CATTGACGACGAGCCCCCGCACGCGCCGCTTCACCGTCACATTGAGCCAGGCCTCGCTGC-3'
Protein context (NP_001009944.3, residues 1545-1565): KRRVRGLVVN[Ala1555Val]SRTVVPLNGS